The following is an entry in ClinVar:

NM_000059.4(BRCA2):c.2868A>C (p.Lys956Asn)

Gene: BRCA2 (BRCA2 DNA repair associated; plus strand). Cytogenetic location: 13q13.1.
Variant type: single nucleotide variant.
Coding change: c.2868A>C on transcript NM_000059.4 (MANE Select); coding-DNA position 2868, A replaced by C.
Protein change: p.Lys956Asn; replaces lysine 956 with asparagine.
Molecular consequence: missense variant. On other transcripts: non-coding transcript variant (1), intron variant (2).
Genome position (GRCh38, 1-based): chr13:32,337,223, A>C. VCF-style: chr13-32337223-A-C. GRCh37 (hg19) VCF-style: chr13-32911360-A-C.
Other names: c.2868A>C, p.Lys956Asn (NM_001406719.1, NM_001406720.1, NM_001432077.1); c.1909+3836A>C (NM_001406721.1); c.424+6193A>C (NM_001406722.1); short protein forms K956N.
Identifiers: ClinVar variation 4629592 (VCV004629592.1).

ClinVar aggregate classification (germline): Uncertain significance (1 of 4 stars; one submission).

Conditions:
Hereditary cancer-predisposing syndrome. Also called: Neoplastic Syndromes, Hereditary; Tumor predisposition; Hereditary Cancer Syndrome; Hereditary neoplastic syndrome. Identifiers: Orphanet 140162, MedGen C0027672, MeSH D009386, MONDO:0015356.

Submission:

Ambry Genetics
Classification: Uncertain significance for Hereditary cancer-predisposing syndrome. Last evaluated: 2025-12-10. Review status: criteria provided, single submitter. Criteria: Ambry Variant Classification Scheme 2023. Collection method: clinical testing. Allele origin: germline.
Comment: The p.K956N variant (also known as c.2868A>C), located in coding exon 10 of the BRCA2 gene, results from an A to C substitution at nucleotide position 2868. The lysine at codon 956 is replaced by asparagine, an amino acid with similar properties. This amino acid position is conserved. In addition, this alteration is predicted to be tolerated by in silico analysis. Based on the available evidence, the clinical significance of this variant remains unclear.